The following is an entry in ClinVar:

NM_000059.4(BRCA2):c.1654T>A (p.Ser552Thr)

Gene: BRCA2 (BRCA2 DNA repair associated; plus strand). Cytogenetic location: 13q13.1.
Variant type: single nucleotide variant.
Coding change: c.1654T>A on transcript NM_000059.4 (MANE Select); coding-DNA position 1654, T replaced by A.
Protein change: p.Ser552Thr; replaces serine 552 with threonine.
Molecular consequence: missense variant.
Genome position (GRCh38, 1-based): chr13:32,333,132, T>A. VCF-style: chr13-32333132-T-A. GRCh37 (hg19) VCF-style: chr13-32907269-T-A.
Other names: c.1654T>A, p.Ser552Thr (NM_001406719.1, NM_001406720.1, NM_001406721.1); short protein forms S552T.
Identifiers: ClinVar variation 1777324 (VCV001777324.9), dbSNP rs1339661429, ClinGen allele CA387765009.
Genomic context (GRCh38, chr13:32,333,132, plus strand): 5'-GAAACTGAAGCCTCTGAAAGTGGACTGGAAATACATACTGTTTGCTCACAGAAGGAGGAC[T>A]CCTTATGTCCAAATTTAATTGATAATGGAAGCTGGCCAGCCACCACCACACAGAATTCTG-3'
Protein context (NP_000050.3, residues 542-562): IHTVCSQKED[Ser552Thr]LCPNLIDNGS

ClinVar aggregate classification (germline): Conflicting classifications of pathogenicity. Review status: criteria provided, conflicting classifications (1 of 4 stars). 3 submissions from 3 submitters: Uncertain significance (2); Likely benign (1). Last evaluated 2024-08-08.

Conditions:
Hereditary cancer-predisposing syndrome. Also called: Neoplastic Syndromes, Hereditary; Tumor predisposition; Hereditary Cancer Syndrome; Hereditary neoplastic syndrome. Identifiers: Orphanet 140162, MedGen C0027672, MeSH D009386, MONDO:0015356.
Hereditary breast ovarian cancer syndrome. Also called: Hereditary breast and ovarian cancer; Breast and ovarian cancer; Hereditary breast and/or ovarian cancer syndrome; Hereditary breast and ovarian cancer syndrome (HBOC); BRCA1- and BRCA2-Associated Hereditary Breast and Ovarian Cancer; Hereditary breast and ovarian cancer syndrome. Identifiers: Orphanet 145, MedGen C0677776, MeSH D061325, MONDO:0003582. Disease mechanism: loss of function.

Allele frequency attached by ClinVar (database versions not stated): TOPMed 0.00003.

Submissions (3):

Labcorp Genetics (formerly Invitae), Labcorp
Classification: Uncertain significance for Hereditary breast ovarian cancer syndrome. Last evaluated: 2024-08-08. Review status: criteria provided, single submitter. Criteria: Invitae Variant Classification Sherloc (09022015). Collection method: clinical testing. Allele origin: germline.
Comment: This sequence change replaces serine, which is neutral and polar, with threonine, which is neutral and polar, at codon 552 of the BRCA2 protein (p.Ser552Thr). This variant is not present in population databases (gnomAD no frequency). This variant has not been reported in the literature in individuals affected with BRCA2-related conditions. ClinVar contains an entry for this variant (Variation ID: 1777324). Advanced modeling of protein sequence and biophysical properties (such as structural, functional, and spatial information, amino acid conservation, physicochemical variation, residue mobility, and thermodynamic stability) performed at Invitae indicates that this missense variant is not expected to disrupt BRCA2 protein function with a negative predictive value of 95%. In summary, the available evidence is currently insufficient to determine the role of this variant in disease. Therefore, it has been classified as a Variant of Uncertain Significance.

University of Washington Department of Laboratory Medicine, University of Washington
Classification: Likely benign for Hereditary cancer-predisposing syndrome. Last evaluated: 2023-03-23. Review status: criteria provided, single submitter. Criteria: Dines et al. (Genet Med. 2020). Collection method: curation. Allele origin: germline.
Comment: Missense variant in a coldspot region where missense variants are very unlikely to be pathogenic (PMID:31911673).

BRCA2 exon 10 coldspot. Reclassification based on statistical prior probability.

Ambry Genetics
Classification: Uncertain significance for Hereditary cancer-predisposing syndrome. Last evaluated: 2022-08-09. Review status: criteria provided, single submitter. Criteria: Ambry Variant Classification Scheme 2023. Collection method: clinical testing. Allele origin: germline.
Comment: The p.S552T variant (also known as c.1654T>A), located in coding exon 9 of the BRCA2 gene, results from a T to A substitution at nucleotide position 1654. The serine at codon 552 is replaced by threonine, an amino acid with similar properties. This amino acid position is conserved. In addition, this alteration is predicted to be tolerated by in silico analysis. Since supporting evidence is limited at this time, the clinical significance of this alteration remains unclear.